The following is an entry in ClinVar:

ClinVar aggregate classification (germline): Benign/Likely benign. Review status: criteria provided, multiple submitters, no conflicts (2 of 4 stars). 11 submissions from 11 submitters: Benign (4); Likely benign (2). 5 of the submissions do not count toward it. Last evaluated 2026-01-19.

Conditions:
AKAP9-related disorder. Also called: AKAP9-related condition.
Cardiovascular phenotype. Identifiers: MedGen CN230736.
Long QT syndrome (LQTS). Identifiers: MedGen C0023976, MeSH D008133, MONDO:0002442. Disease mechanism: loss of function. Inheritance: Various modes of inheritance.
Long QT syndrome 11 (LQT11). Identifiers: Orphanet 101016, Orphanet 768, MedGen C2678483, MONDO:0012738, OMIM 611820.

Allele frequency attached by ClinVar (database versions not stated): ExAC 0.00089; gnomAD exomes 0.00101 and 0.00193; TOPMed 0.00108; gnomAD 0.00110 and 0.00113; ESP Exome Variant Server 0.00146.
gnomAD v4.1: 3,014 of 1,612,522 alleles (0.19%); highest among the groups gnomAD compares: Non-Finnish European, 0.23%; 8 homozygotes.

Submissions (11):

Labcorp Genetics (formerly Invitae), Labcorp
Classification: Benign for Long QT syndrome. Last evaluated: 2026-01-19. Review status: criteria provided, single submitter. Criteria: Invitae Variant Classification Sherloc (09022015). Collection method: clinical testing. Allele origin: germline.

CeGaT Center for Human Genetics Tuebingen
Classification: Likely benign. Last evaluated: 2025-06-01. Review status: criteria provided, single submitter. Criteria: CeGaT Center For Human Genetics Tuebingen Variant Classification Criteria Version 2. Collection method: clinical testing. Allele origin: germline. Affected: yes. Observed: 1 variant allele.
Comment: AKAP9: BP4, BP7

Blueprint Genetics
Classification: Benign. Last evaluated: 2024-11-12. Review status: criteria provided, single submitter. Criteria: ACMG Guidelines, 2015. Collection method: clinical testing. Allele origin: germline.

Women's Health and Genetics/Laboratory Corporation of America, LabCorp
Classification: Benign. Last evaluated: 2022-09-05. Review status: criteria provided, single submitter. Criteria: LabCorp Variant Classification Summary - May 2015. Collection method: clinical testing. Allele origin: germline.

ARUP Laboratories, Molecular Genetics and Genomics, ARUP Laboratories
Classification: Benign for Long QT syndrome 11. Last evaluated: 2018-07-12. Review status: criteria provided, single submitter. Criteria: ARUP Molecular Germline Variant Investigation Process. Collection method: clinical testing. Allele origin: germline.

Ambry Genetics
Classification: Likely benign for Cardiovascular phenotype. Last evaluated: 2015-08-10. Review status: criteria provided, single submitter. Criteria: Ambry Variant Classification Scheme 2023. Collection method: clinical testing. Allele origin: germline.

PreventionGenetics, part of Exact Sciences
Classification: Likely benign for AKAP9-related condition. Last evaluated: 2020-02-28. Review status: no assertion criteria provided. Collection method: clinical testing. Allele origin: germline. Not counted in ClinVar's aggregate classification.
Comment: This variant is classified as likely benign based on ACMG/AMP sequence variant interpretation guidelines (Richards et al. 2015 PMID: 25741868, with internal and published modifications).

Clinical Genetics DNA and cytogenetics Diagnostics Lab, Erasmus MC, Erasmus Medical Center
Classification: Likely benign. Review status: no assertion criteria provided. Collection method: clinical testing. Allele origin: germline. Affected: yes. Study: VKGL Data-share Consensus. Not counted in ClinVar's aggregate classification.

Clinical Genetics, Academic Medical Center
Classification: Benign. Review status: no assertion criteria provided. Collection method: clinical testing. Allele origin: germline. Affected: yes. Study: VKGL Data-share Consensus. Not counted in ClinVar's aggregate classification.

Genome Diagnostics Laboratory, University Medical Center Utrecht
Classification: Benign. Review status: no assertion criteria provided. Collection method: clinical testing. Allele origin: germline. Affected: yes. Study: VKGL Data-share Consensus. Not counted in ClinVar's aggregate classification.

Joint Genome Diagnostic Labs from Nijmegen and Maastricht, Radboudumc and MUMC+
Classification: Benign. Review status: no assertion criteria provided. Collection method: clinical testing. Allele origin: germline. Affected: yes. Study: VKGL Data-share Consensus. Not counted in ClinVar's aggregate classification.

NM_005751.5(AKAP9):c.6249C>T (p.Phe2083=)

Gene: AKAP9 (A-kinase anchoring protein 9; plus strand). Cytogenetic location: 7q21.2.
Variant type: single nucleotide variant.
Coding change: c.6249C>T on transcript NM_005751.5 (MANE Select); coding-DNA position 6249, C replaced by T.
Protein change: p.Phe2083=; no amino-acid change (phenylalanine 2083 retained).
Molecular consequence: synonymous variant.
Genome position (GRCh38, 1-based): chr7:92,066,465, C>T. VCF-style: chr7-92066465-C-T. GRCh37 (hg19) VCF-style: chr7-91695779-C-T.
Other names: c.894C>T, p.Phe298= (NM_001379277.1); c.6249C>T, p.Phe2083= (NM_147185.3).
Identifiers: ClinVar variation 215513 (VCV000215513.45), dbSNP rs139770404, ClinGen allele CA336750.